The following is an entry in ClinVar:

NM_024757.5(EHMT1):c.3422G>A (p.Arg1141Gln)

Gene: EHMT1 (euchromatic histone lysine methyltransferase 1; plus strand). Cytogenetic location: 9q34.3.
Variant type: single nucleotide variant.
Coding change: c.3422G>A on transcript NM_024757.5 (MANE Select); coding-DNA position 3422, G replaced by A.
Protein change: p.Arg1141Gln; replaces arginine 1141 with glutamine.
Molecular consequence: missense variant.
Genome position (GRCh38, 1-based): chr9:137,817,486, G>A. VCF-style: chr9-137817486-G-A. GRCh37 (hg19) VCF-style: chr9-140711938-G-A.
Other names: c.3401G>A, p.Arg1134Gln (NM_001354263.2); short protein forms R1134Q, R1141Q.
Identifiers: ClinVar variation 1333070 (VCV001333070.7), dbSNP rs745374795, ClinGen allele CA5375308.

ClinVar aggregate classification (germline): Conflicting classifications of pathogenicity. Review status: criteria provided, conflicting classifications (1 of 4 stars). 2 submissions from 2 submitters: Uncertain significance (1); Likely benign (1). Last evaluated 2025-11-10.

Conditions:
Kleefstra syndrome 1 (KLEFS1). Identifiers: Orphanet 261494, MedGen C0795833, MONDO:0027407, OMIM 610253.

Allele frequency attached by ClinVar (database versions not stated): ExAC 0.00001; gnomAD 0.00001; gnomAD exomes 0.00002; TOPMed 0.00002.
gnomAD v4.1: 35 of 1,614,078 alleles (0.0022%); highest among the groups gnomAD compares: East Asian, 0.02%; no homozygotes.

Submissions (2):

Labcorp Genetics (formerly Invitae), Labcorp
Classification: Likely benign for Kleefstra syndrome 1. Last evaluated: 2025-11-10. Review status: criteria provided, single submitter. Criteria: Invitae Variant Classification Sherloc (09022015). Collection method: clinical testing. Allele origin: germline.

GeneDx
Classification: Uncertain significance. Last evaluated: 2021-12-17. Review status: criteria provided, single submitter. Criteria: GeneDx Variant Classification Process June 2021. Collection method: clinical testing. Allele origin: germline. Affected: yes.
Comment: In silico analysis supports that this missense variant has a deleterious effect on protein structure/function; Has not been previously published as pathogenic or benign to our knowledge